The following is an entry in ClinVar:

NM_000352.6(ABCC8):c.1817+1G>C

Gene: ABCC8 (ATP binding cassette subfamily C member 8; minus strand). Cytogenetic location: 11p15.1.
Variant type: single nucleotide variant.
Coding change: c.1817+1G>C on transcript NM_000352.6 (MANE Select); the canonical splice donor site of the intron after coding-DNA position 1817, G replaced by C.
Molecular consequence: splice donor variant.
Genome position (GRCh38, 1-based): chr11:17,430,813, C>G on the plus strand (G>C on the coding strand, the complement: ABCC8 is on the minus strand). VCF-style: chr11-17430813-C-G. GRCh37 (hg19) VCF-style: chr11-17452360-C-G.
Other names: c.1814+1G>C (NM_001351297.2, NM_001351296.2); c.1817+1G>C (NM_001351295.2, NM_001287174.3, NM_000352.4).
Identifiers: ClinVar variation 2675201 (VCV002675201.2), dbSNP rs1554926476, ClinGen allele CA379816858.

ClinVar aggregate classification (germline): Pathogenic. Review status: criteria provided, multiple submitters, no conflicts (2 of 4 stars). 2 submissions from 2 submitters: Pathogenic (2). Last evaluated 2024-12-05.

Conditions:
Type 2 diabetes mellitus. Also called: Type II diabetes mellitus. Identifiers: MedGen C0011860, MeSH D003924, MONDO:0005148, OMIM 125853, HP:0005978.
Hereditary hyperinsulinism.

Submissions (2):

Natera, Inc.
Classification: Pathogenic for Hereditary hyperinsulinism. Last evaluated: 2024-12-05. Review status: criteria provided, single submitter. Criteria: Natera Variant Classification Schema (03/2026). Collection method: clinical testing. Allele origin: germline.
Comment: The c.1817+1G>C variant in ABCC8 is a canonical splice donor site variant predicted to affect pre-mRNA splicing, which may result in an abnormal transcript and altered protein product. This variant is expected to result in nonsense mediated decay, truncation, or a dysfunctional protein product. This variant is rare in the general population with a frequency below the threshold expected for the associated phenotype(s). This variant has been observed in one or more individuals affected with the associated recessive disease, as either homozygous or compound heterozygous with a second variant (PMID: 6758964). Another variant at this same site results in an alteration predicted to cause a similar molecular effect has been observed in individual(s) with the associated phenotype. Given the available evidence, this variant is classified as Pathogenic.

Baylor Genetics
Classification: Pathogenic for Type 2 diabetes mellitus. Last evaluated: 2023-10-28. Review status: criteria provided, single submitter. Criteria: ACMG Guidelines, 2015. Collection method: clinical testing. Allele origin: unknown.

Literature cited by the submitters: PubMed 6758964 (cited by Natera, Inc.).